The following is an entry in ClinVar:

NM_022356.4(P3H1):c.1786G>A (p.Glu596Lys)

Gene: P3H1 (prolyl 3-hydroxylase 1; minus strand). Cytogenetic location: 1p34.2.
Variant type: single nucleotide variant.
Coding change: c.1786G>A on transcript NM_022356.4 (MANE Select); coding-DNA position 1786, G replaced by A.
Protein change: p.Glu596Lys; replaces glutamic acid 596 with lysine.
Molecular consequence: missense variant.
Genome position (GRCh38, 1-based): chr1:42,748,252, C>T on the plus strand (G>A on the coding strand, the complement: P3H1 is on the minus strand). VCF-style: chr1-42748252-C-T. GRCh37 (hg19) VCF-style: chr1-43213923-C-T.
Other names: c.1786G>A (NM_022356.3); c.1786G>A, p.Glu596Lys (NM_001146289.2, NM_001243246.2); short protein forms E596K.
Identifiers: ClinVar variation 1489960 (VCV001489960.9), dbSNP rs771866490, ClinGen allele CA801699.
Genomic context (GRCh38, chr1:42,748,252, plus strand): 5'-GCACTCACCTGTAGTCGCGGAAGGTGTAGGCTGGGGGCTCTTTGACACACACGAGGGTCT[C>T]GGCATTCAGGATGCAGTTGTCCACGTGGACTGGATGACTATCATCCTTCCTCTCTGCCTG-3'
Protein context (NP_071751.3, residues 586-606): VHVDNCILNA[Glu596Lys]TLVCVKEPPA

ClinVar aggregate classification (germline): Uncertain significance. Review status: criteria provided, multiple submitters, no conflicts (2 of 4 stars). 2 submissions from 2 submitters: Uncertain significance (2). Last evaluated 2025-01-28.

Conditions:
Inborn genetic diseases. Identifiers: MedGen C0950123, MeSH D030342.
Osteogenesis imperfecta type 8 (OI8). Identifiers: MedGen C1970458, MONDO:0012581, OMIM 610915.

Allele frequency attached by ClinVar (database versions not stated): gnomAD 0.00001; gnomAD exomes 0.00001; TOPMed 0.00001; ExAC 0.00002.

Submissions (2):

Ambry Genetics
Classification: Uncertain significance for Inborn genetic diseases. Last evaluated: 2025-01-28. Review status: criteria provided, single submitter. Criteria: Ambry Variant Classification Scheme 2023. Collection method: clinical testing. Allele origin: germline.

Labcorp Genetics (formerly Invitae), Labcorp
Classification: Uncertain significance for Osteogenesis imperfecta type 8. Last evaluated: 2022-12-06. Review status: criteria provided, single submitter. Criteria: Invitae Variant Classification Sherloc (09022015). Collection method: clinical testing. Allele origin: germline.
Comment: In summary, the available evidence is currently insufficient to determine the role of this variant in disease. Therefore, it has been classified as a Variant of Uncertain Significance. Advanced modeling of protein sequence and biophysical properties (such as structural, functional, and spatial information, amino acid conservation, physicochemical variation, residue mobility, and thermodynamic stability) performed at Invitae indicates that this missense variant is not expected to disrupt P3H1 protein function. ClinVar contains an entry for this variant (Variation ID: 1489960). This variant has not been reported in the literature in individuals affected with P3H1-related conditions. This variant is present in population databases (rs771866490, gnomAD 0.006%). This sequence change replaces glutamic acid, which is acidic and polar, with lysine, which is basic and polar, at codon 596 of the P3H1 protein (p.Glu596Lys).